The following is an entry in ClinVar:

ClinVar aggregate classification (germline): Uncertain significance (1 of 4 stars; one submission).

Allele frequency attached by ClinVar (database versions not stated): ExAC 0.00001; TOPMed 0.00001.

Submission:

Labcorp Genetics (formerly Invitae), Labcorp
Classification: Uncertain significance. Last evaluated: 2022-09-30. Review status: criteria provided, single submitter. Criteria: Invitae Variant Classification Sherloc (09022015). Collection method: clinical testing. Allele origin: germline.
Comment: In summary, the available evidence is currently insufficient to determine the role of this variant in disease. Therefore, it has been classified as a Variant of Uncertain Significance. Experimental studies and prediction algorithms are not available or were not evaluated, and the effect of this variant on mRNA splicing is currently unknown. This variant has not been reported in the literature in individuals affected with HYOU1-related conditions. This variant is present in population databases (rs782495791, gnomAD 0.0009%). This sequence change affects codon 11 of the HYOU1 mRNA. It is a 'silent' change, meaning that it does not change the encoded amino acid sequence of the HYOU1 protein.

NM_006389.5(HYOU1):c.33G>A (p.Arg11=)

Gene: HYOU1 (hypoxia up-regulated 1; minus strand). Cytogenetic location: 11q23.3.
Variant type: single nucleotide variant.
Coding change: c.33G>A on transcript NM_006389.5 (MANE Select); coding-DNA position 33, G replaced by A.
Protein change: p.Arg11=; no amino-acid change (arginine 11 retained).
Molecular consequence: synonymous variant.
Genome position (GRCh38, 1-based): chr11:119,056,128, C>T on the plus strand (G>A on the coding strand, the complement: HYOU1 is on the minus strand). VCF-style: chr11-119056128-C-T. GRCh37 (hg19) VCF-style: chr11-118926840-C-T.
Other names: c.33G>A, p.Arg11= (NM_001130991.3, NM_001411041.1).
Identifiers: ClinVar variation 2033499 (VCV002033499.4), dbSNP rs782495791, ClinGen allele CA229649781.